The following is an entry in ClinVar:

ClinVar aggregate classification (germline): Uncertain significance (0 of 4 stars; one submission).

Conditions:
DYRK1B-related disorder. Also called: DYRK1B-related condition.

Submission:

PreventionGenetics, part of Exact Sciences
Classification: Uncertain significance for DYRK1B-related condition. Last evaluated: 2024-01-23. Review status: no assertion criteria provided. Collection method: clinical testing. Allele origin: germline.
Comment: The DYRK1B c.86T>A variant is predicted to result in the amino acid substitution p.Leu29Gln. To our knowledge, this variant has not been reported in the literature. This variant is reported in 0.0080% of alleles in individuals of African descent in gnomAD. At this time, the clinical significance of this variant is uncertain due to the absence of conclusive functional and genetic evidence.

NM_004714.3(DYRK1B):c.86T>A (p.Leu29Gln)

Gene: DYRK1B (dual specificity tyrosine phosphorylation regulated kinase 1B; minus strand). Cytogenetic location: 19q13.2.
Variant type: single nucleotide variant.
Coding change: c.86T>A on transcript NM_004714.3 (MANE Select); coding-DNA position 86, T replaced by A.
Protein change: p.Leu29Gln; replaces leucine 29 with glutamine.
Molecular consequence: missense variant.
Genome position (GRCh38, 1-based): chr19:39,830,761, A>T on the plus strand (T>A on the coding strand, the complement: DYRK1B is on the minus strand). VCF-style: chr19-39830761-A-T. GRCh37 (hg19) VCF-style: chr19-40321401-A-T.
Other names: c.86T>A, p.Leu29Gln (NM_006483.3, NM_006484.3); short protein forms L29Q.
Identifiers: ClinVar variation 3358396 (VCV003358396.1).